The following is an entry in ClinVar:

ClinVar aggregate classification (germline): Benign/Likely benign. Review status: criteria provided, multiple submitters, no conflicts (2 of 4 stars). 7 submissions from 7 submitters: Benign (4); Likely benign (3). Last evaluated 2026-09-01.

Conditions:
Inborn genetic diseases. Identifiers: MedGen C0950123, MeSH D030342.

Submissions (7):

CeGaT Center for Human Genetics Tuebingen
Classification: Likely benign. Last evaluated: 2026-09-01. Review status: criteria provided, single submitter. Criteria: CeGaT Center For Human Genetics Tuebingen Variant Classification Criteria Version 2. Collection method: clinical testing. Allele origin: germline. Affected: yes. Observed: 48 variant alleles.
Comment: ARID1B: BS1

Labcorp Genetics (formerly Invitae), Labcorp
Classification: Benign. Last evaluated: 2026-01-28. Review status: criteria provided, single submitter. Criteria: Invitae Variant Classification Sherloc (09022015). Collection method: clinical testing. Allele origin: germline.

Blueprint Genetics
Classification: Likely benign. Last evaluated: 2024-11-26. Review status: criteria provided, single submitter. Criteria: ACMG Guidelines, 2015. Collection method: clinical testing. Allele origin: germline.

Ambry Genetics
Classification: Benign for Inborn genetic diseases. Last evaluated: 2022-08-30. Review status: criteria provided, single submitter. Criteria: Ambry Variant Classification Scheme 2023. Collection method: clinical testing. Allele origin: germline.

GeneDx
Classification: Benign. Last evaluated: 2018-12-04. Review status: criteria provided, single submitter. Criteria: GeneDx Variant Classification Process June 2021. Collection method: clinical testing. Allele origin: germline. Affected: yes.

Center for Pediatric Genomic Medicine, Children's Mercy Hospital and Clinics
Classification: Likely benign. Last evaluated: 2016-05-19. Review status: criteria provided, single submitter. Criteria: ACMG Guidelines, 2015. Collection method: clinical testing. Allele origin: germline.
ClinVar note: Converted during submission from Likely Benign to Likely benign.

Genetic Services Laboratory, University of Chicago
Classification: Benign. Last evaluated: 2014-07-17. Review status: criteria provided, single submitter. Criteria: ACMG Guidelines, 2015. Collection method: clinical testing. Allele origin: germline.

NM_001374828.1(ARID1B):c.615GCA[9] (p.Gln214_His215insGlnGln)

Genes: ARID1B (AT-rich interaction domain 1B; plus strand), LOC115308161 (uncharacterized LOC115308161; minus strand). Cytogenetic location: 6q25.3.
Variant type: Microsatellite.
Coding change: c.615GCA[9] on transcript NM_001374828.1 (MANE Select); nine copies in a row of the 3-base unit GCA starting at c.615; the reference has seven copies in a row; two copies, 6 bases duplicated.
Protein change: p.Gln214_His215insGlnGln.
Molecular consequence: inframe insertion. On other transcripts: non-coding transcript variant (1).
Genome position (GRCh38, 1-based): chr6:156,778,310-156,778,315, GCAGCA duplicated; duplicating any 6 consecutive bases within chr6:156,778,293-156,778,315 gives the same sequence; the position shown is the placement nearest the transcript's 3' end. VCF-style (leftmost placement, unchanged base first): chr6-156778292-A-ACAGCAG. GRCh37 (hg19) VCF-style: chr6-157099426-A-ACAGCAG.
Other names: c.615GCA[9], p.Gln214_His215insGlnGln (NM_001371656.1, NM_001374820.1, NM_017519.3); c.381_386dupGCAGCA (NM_020732.3).
Identifiers: ClinVar variation 126329 (VCV000126329.54), dbSNP rs587779744, ClinGen allele CA151056.